The following is an entry in ClinVar:

NM_207037.2(TCF12):c.857A>G (p.Asp286Gly)

Gene: TCF12 (transcription factor 12; plus strand). Cytogenetic location: 15q21.3.
Variant type: single nucleotide variant.
Coding change: c.857A>G on transcript NM_207037.2 (MANE Select); coding-DNA position 857, A replaced by G.
Protein change: p.Asp286Gly; replaces aspartic acid 286 with glycine.
Molecular consequence: missense variant.
Genome position (GRCh38, 1-based): chr15:57,232,743, A>G. VCF-style: chr15-57232743-A-G. GRCh37 (hg19) VCF-style: chr15-57524941-A-G.
Other names: c.347A>G, p.Asp116Gly (NM_001306219.3, NM_207040.2); c.149A>G, p.Asp50Gly (NM_001306220.3); c.857A>G, p.Asp286Gly (NM_001322151.2, NM_001322152.2, NM_001322157.3 and 7 more transcripts); c.200A>G, p.Asp67Gly (NM_001322154.2); c.683A>G, p.Asp228Gly (NM_001322156.2, NM_001322158.2); c.893A>G, p.Asp298Gly (NM_001322164.2); short protein forms D116G, D228G, D286G, D298G, D50G, D67G.
Identifiers: ClinVar variation 1307375 (VCV001307375.2), dbSNP rs1481359746, ClinGen allele CA392592520.

ClinVar aggregate classification (germline): Uncertain significance (1 of 4 stars; one submission).

Allele frequency attached by ClinVar (database versions not stated): gnomAD exomes below 0.00001.
gnomAD v4.1: 1 of 1,612,130 alleles (0.000062%); no homozygotes.

Submission:

GeneDx
Classification: Uncertain significance. Last evaluated: 2019-08-14. Review status: criteria provided, single submitter. Criteria: GeneDx Variant Classification Process June 2021. Collection method: clinical testing. Allele origin: germline. Affected: yes.
Comment: Not observed in large population cohorts (Lek et al., 2016); In silico analysis, which includes protein predictors and evolutionary conservation, supports a deleterious effect; Has not been previously published as pathogenic or benign to our knowledge